The following is an entry in ClinVar:

NM_000030.3(AGXT):c.260_271del (p.Glu87_Leu90del)

Gene: AGXT (alanine--glyoxylate aminotransferase; plus strand). Cytogenetic location: 2q37.3.
Variant type: Deletion.
Coding change: c.260_271del on transcript NM_000030.3 (MANE Select); coding-DNA positions 260 to 271, 12 bases deleted (AGGCCGCCCTGG).
Protein change: p.Glu87_Leu90del.
Molecular consequence: inframe deletion.
Genome position (GRCh38, 1-based): chr2:240,869,264-240,869,275, AGGCCGCCCTGG deleted; deleting any 12 consecutive bases within chr2:240,869,257-240,869,275 gives the same sequence; the c. name uses the placement nearest the transcript's 3' end. VCF-style (leftmost placement, unchanged base first): chr2-240869256-TGCCCTGGAGGCC-T. GRCh37 (hg19) VCF-style: chr2-241808673-TGCCCTGGAGGCC-T.
Identifiers: ClinVar variation 551383 (VCV000551383.6), dbSNP rs1553648333, ClinGen allele CA658821244.

ClinVar aggregate classification (germline): Uncertain significance. Review status: criteria provided, single submitter (1 of 4 stars). 2 submissions from 2 submitters: Uncertain significance (1). 1 of the submissions does not count toward it. Last evaluated 2022-05-15.

Conditions:
Primary hyperoxaluria, type I (HP1). Also called: GLYCOLIC ACIDURIA; HEPATIC AGT DEFICIENCY; OXALOSIS I; Primary hyperoxaluria type 1. Identifiers: Orphanet 416, Orphanet 93598, MedGen C0268164, MONDO:0009823, OMIM 259900. Disease mechanism: loss of function.

Submissions (2):

Labcorp Genetics (formerly Invitae), Labcorp
Classification: Uncertain significance. Last evaluated: 2022-05-15. Review status: criteria provided, single submitter. Criteria: Invitae Variant Classification Sherloc (09022015). Collection method: clinical testing. Allele origin: germline.
Comment: In summary, the available evidence is currently insufficient to determine the role of this variant in disease. Therefore, it has been classified as a Variant of Uncertain Significance. Experimental studies and prediction algorithms are not available or were not evaluated, and the functional significance of this variant is currently unknown. ClinVar contains an entry for this variant (Variation ID: 551383). This variant has not been reported in the literature in individuals affected with AGXT-related conditions. This variant is not present in population databases (gnomAD no frequency). This variant, c.260_271del, results in the deletion of 4 amino acid(s) of the AGXT protein (p.Glu87_Leu90del), but otherwise preserves the integrity of the reading frame.

Counsyl
Classification: Uncertain significance for Primary hyperoxaluria, type I. Last evaluated: 2017-04-06. Review status: no assertion criteria provided. Collection method: clinical testing. Allele origin: unknown. Not counted in ClinVar's aggregate classification.